The following is an entry in ClinVar:

NM_000051.4(ATM):c.2855A>T (p.Lys952Met)

Gene: ATM (ATM serine/threonine kinase; plus strand). Cytogenetic location: 11q22.3.
Variant type: single nucleotide variant.
Coding change: c.2855A>T on transcript NM_000051.4 (MANE Select); coding-DNA position 2855, A replaced by T.
Protein change: p.Lys952Met; replaces lysine 952 with methionine.
Molecular consequence: missense variant.
Genome position (GRCh38, 1-based): chr11:108,271,080, A>T. VCF-style: chr11-108271080-A-T. GRCh37 (hg19) VCF-style: chr11-108141807-A-T.
Other names: c.2855A>T, p.Lys952Met (NM_001351834.2); short protein forms K952M.
Identifiers: ClinVar variation 4169985 (VCV004169985.1).
Genomic context (GRCh38, chr11:108,271,080, plus strand): 5'-TGATTTGTGGATAAACCTGATTTTTTTCCCTCCTACCATCTTAGTATCTAATGCTTTTAA[A>T]GGAGCTTCCTGGAGAAGAGTACCCCTTGCCAATGGAAGATGTTCTTGAACTTCTGAAACC-3'
Protein context (NP_000042.3, residues 942-962): LHLHMYLMLL[Lys952Met]ELPGEEYPLP

ClinVar aggregate classification (germline): Uncertain significance (1 of 4 stars; one submission).

Conditions:
Hereditary cancer-predisposing syndrome. Also called: Neoplastic Syndromes, Hereditary; Tumor predisposition; Hereditary Cancer Syndrome; Hereditary neoplastic syndrome. Identifiers: Orphanet 140162, MedGen C0027672, MeSH D009386, MONDO:0015356.

Submission:

Ambry Genetics
Classification: Uncertain significance for Hereditary cancer-predisposing syndrome. Last evaluated: 2025-08-10. Review status: criteria provided, single submitter. Criteria: Ambry Variant Classification Scheme 2023. Collection method: clinical testing. Allele origin: germline.
Comment: The p.K952M variant (also known as c.2855A>T), located in coding exon 18 of the ATM gene, results from an A to T substitution at nucleotide position 2855. The lysine at codon 952 is replaced by methionine, an amino acid with similar properties. This amino acid position is conserved. In addition, the in silico prediction for this alteration is inconclusive. Based on the available evidence, the clinical significance of this variant remains unclear.